The following is an entry in ClinVar:

ClinVar aggregate classification (germline): Conflicting classifications of pathogenicity. Review status: criteria provided, conflicting classifications (1 of 4 stars). 5 submissions from 5 submitters: Uncertain significance (4); Likely benign (1). Last evaluated 2025-09-26.

Conditions:
Inborn genetic diseases. Identifiers: MedGen C0950123, MeSH D030342.

Allele frequency attached by ClinVar (database versions not stated): ExAC 0.00002; gnomAD exomes 0.00002 and 0.00001; ESP Exome Variant Server 0.00008.
gnomAD v4.1: 17 of 1,614,208 alleles (0.0011%); highest among the groups gnomAD compares: Non-Finnish European, 0.0014%; no homozygotes.

Submissions (5):

Ambry Genetics
Classification: Uncertain significance for Inborn genetic diseases. Last evaluated: 2025-09-26. Review status: criteria provided, single submitter. Criteria: Ambry Variant Classification Scheme 2023. Collection method: clinical testing. Allele origin: germline.

Labcorp Genetics (formerly Invitae), Labcorp
Classification: Uncertain significance. Last evaluated: 2024-10-30. Review status: criteria provided, single submitter. Criteria: Invitae Variant Classification Sherloc (09022015). Collection method: clinical testing. Allele origin: germline.
Comment: This sequence change replaces isoleucine, which is neutral and non-polar, with threonine, which is neutral and polar, at codon 1375 of the CEP152 protein (p.Ile1375Thr). This variant is present in population databases (rs375113825, gnomAD 0.004%). This variant has not been reported in the literature in individuals affected with CEP152-related conditions. ClinVar contains an entry for this variant (Variation ID: 434734). An algorithm developed to predict the effect of missense changes on protein structure and function outputs the following: PolyPhen-2: "Benign". The threonine amino acid residue is found in multiple mammalian species, which suggests that this missense change does not adversely affect protein function. In summary, the available evidence is currently insufficient to determine the role of this variant in disease. Therefore, it has been classified as a Variant of Uncertain Significance.

Blueprint Genetics
Classification: Likely benign. Last evaluated: 2020-09-17. Review status: criteria provided, single submitter. Criteria: ACMG Guidelines, 2015. Collection method: clinical testing. Allele origin: germline.

Genetic Services Laboratory, University of Chicago
Classification: Uncertain significance. Last evaluated: 2017-03-28. Review status: criteria provided, single submitter. Criteria: ACMG Guidelines, 2015. Collection method: clinical testing. Allele origin: germline. Affected: no.

Eurofins Ntd Llc (ga)
Classification: Uncertain significance. Last evaluated: 2016-12-29. Review status: criteria provided, single submitter. Criteria: EGL Classification Definitions 2015. Collection method: clinical testing. Allele origin: germline. Observed: 1 variant allele, 1 heterozygote.

NM_001194998.2(CEP152):c.4292T>C (p.Ile1431Thr)

Gene: CEP152 (centrosomal protein 152; minus strand). Cytogenetic location: 15q21.1.
Variant type: single nucleotide variant.
Coding change: c.4292T>C on transcript NM_001194998.2 (MANE Select); coding-DNA position 4292, T replaced by C.
Protein change: p.Ile1431Thr; replaces isoleucine 1431 with threonine.
Molecular consequence: missense variant.
Genome position (GRCh38, 1-based): chr15:48,739,090, A>G on the plus strand (T>C on the coding strand, the complement: CEP152 is on the minus strand). VCF-style: chr15-48739090-A-G. GRCh37 (hg19) VCF-style: chr15-49031287-A-G.
Other names: c.4124T>C, p.Ile1375Thr (NM_014985.4); short protein forms I1375T, I1431T.
Identifiers: ClinVar variation 434734 (VCV000434734.14), dbSNP rs375113825, ClinGen allele CA7548129.